The following is an entry in ClinVar:

ClinVar aggregate classification (germline): Likely pathogenic. Review status: criteria provided, multiple submitters, no conflicts (2 of 4 stars). 3 submissions from 3 submitters: Likely pathogenic (3). Last evaluated 2025-07-02.

Conditions:
Severe early-childhood-onset retinal dystrophy (STGD1). Also called: STGD; Stargardt macular dystrophy; Juvenile onset macular degeneration; Stargardt disease 1; MACULAR DYSTROPHY WITH FLECKS, TYPE 1. Identifiers: Orphanet 364055, Orphanet 827, MedGen C1855465, MeSH D000080362, MONDO:0009549, OMIM 248200.
Retinitis pigmentosa (RP). Identifiers: Orphanet 791, MedGen C0035334, MeSH D012174, MONDO:0019200, OMIM 268000. Inheritance: Autosomal dominant, autosomal recessive and X linked inheritance.

Allele frequency attached by ClinVar (database versions not stated): TOPMed 0.00002; gnomAD exomes below 0.00001; gnomAD 0.00001 and 0.00002.

Submissions (3):

Women's Health and Genetics/Laboratory Corporation of America, LabCorp
Classification: Likely pathogenic for Retinitis pigmentosa. Last evaluated: 2025-07-02. Review status: criteria provided, single submitter. Criteria: LabCorp Variant Classification Summary - May 2015. Collection method: clinical testing. Allele origin: germline.
Comment: Variant summary: ABCA4 c.184C>T (p.Pro62Ser) results in a non-conservative amino acid change in the encoded protein sequence. Algorithms developed to predict the effect of missense changes on protein structure and function all suggest that this variant is likely to be disruptive. The variant allele was found at a frequency of 4e-06 in 251424 control chromosomes. c.184C>T has been observed in compound heterozygous and heterozygous individuals affected with ABCA4-related disease (e.g. Duno_OG_2012, Maggi_2021, Zernant_2011, Zernant_2014). These data indicate that the variant may be associated with disease. To our knowledge, no experimental evidence demonstrating an impact on protein function has been reported. Different variants affecting the same codon (p.P62L, p.P62T, p.P62A) have been classified as Likely pathogenic/Pathogenic in ClinVar, suggesting a critical role of codon 62 to ANCA4 protein function. ClinVar contains an entry for this variant (Variation ID: 1048140). Based on the evidence outlined above, the variant was classified as likely pathogenic.

Revvity Omics, Revvity
Classification: Likely pathogenic. Last evaluated: 2023-02-09. Review status: criteria provided, single submitter. Criteria: ACMG Guidelines, 2015. Collection method: clinical testing. Allele origin: germline.

Institute of Medical Molecular Genetics, University of Zurich
Classification: Likely pathogenic for Severe early-childhood-onset retinal dystrophy. Last evaluated: 2021-01-30. Review status: criteria provided, single submitter. Criteria: ACMG Guidelines, 2015. Collection method: clinical testing. Allele origin: germline. Affected: yes.

Literature cited by the submitters: PubMed 25066811 (cited by Women's Health and Genetics/Laboratory Corporation of America, LabCorp); PubMed 22229821 (cited by Women's Health and Genetics/Laboratory Corporation of America, LabCorp); PubMed 21911583 (cited by Women's Health and Genetics/Laboratory Corporation of America, LabCorp); PubMed 33546218 (cited by Women's Health and Genetics/Laboratory Corporation of America, LabCorp).

NM_000350.3(ABCA4):c.184C>T (p.Pro62Ser)

Gene: ABCA4 (ATP binding cassette subfamily A member 4; minus strand). Cytogenetic location: 1p22.1.
Variant type: single nucleotide variant.
Coding change: c.184C>T on transcript NM_000350.3 (MANE Select); coding-DNA position 184, C replaced by T.
Protein change: p.Pro62Ser; replaces proline 62 with serine.
Molecular consequence: missense variant.
Genome position (GRCh38, 1-based): chr1:94,111,556, G>A on the plus strand (C>T on the coding strand, the complement: ABCA4 is on the minus strand). VCF-style: chr1-94111556-G-A. GRCh37 (hg19) VCF-style: chr1-94577112-G-A.
Other names: c.184C>T, p.Pro62Ser (NM_001425324.1); short protein forms P62S.
Identifiers: ClinVar variation 1048140 (VCV001048140.5), dbSNP rs1355238974, ClinGen allele CA341285594.